The following is an entry in ClinVar:

NM_000535.7(PMS2):c.2007-11_2007-7delinsCCTAT

Gene: PMS2 (PMS1 homolog 2, mismatch repair system component; minus strand). Cytogenetic location: 7p22.1.
Variant type: Indel.
Coding change: c.2007-11_2007-7delinsCCTAT on transcript NM_000535.7 (MANE Select); 11 bases into the intron before coding-DNA position 2007 through 7 bases into the intron before coding-DNA position 2007, TCTAC replaced by CCTAT.
Molecular consequence: intron variant.
Genome position (GRCh38, 1-based): chr7:5,982,998-5,983,002, GTAGA replaced by ATAGG on the plus strand (TCTAC replaced by CCTAT on the coding strand, the reverse complement: PMS2 is on the minus strand). VCF-style: chr7-5982998-GTAGA-ATAGG. GRCh37 (hg19) VCF-style: chr7-6022629-GTAGA-ATAGG.
Other names: c.1698-11_1698-7delinsCCTAT (NM_001406881.1, NM_001406879.1, NM_001322015.2 and 5 more transcripts); c.1602-11_1602-7delinsCCTAT (NM_001406895.1, NM_001322004.2, NM_001406889.1 and 14 more transcripts); c.1236-11_1236-7delinsCCTAT (NM_001406911.1); c.1446-11_1446-7delinsCCTAT (NM_001322010.2, NM_001406906.1, NM_001406907.1); c.1533-11_1533-7delinsCCTAT (NM_001406902.1, NM_001406901.1); c.1689-11_1689-7delinsCCTAT (NM_001406883.1, NM_001322008.2, NM_001322007.2 and 1 more transcripts); c.1494-11_1494-7delinsCCTAT (NM_001406904.1, NM_001406905.1); c.1434-11_1434-7delinsCCTAT (NM_001322013.2, NM_001406909.1); and 16 more.
Identifiers: ClinVar variation 2762821 (VCV002762821.3), dbSNP rs2535557402, ClinGen allele CA2697553873.

ClinVar aggregate classification (germline): Uncertain significance (1 of 4 stars; one submission).

Conditions:
Hereditary nonpolyposis colorectal neoplasms. Identifiers: MedGen C0009405, MeSH D003123.

Submission:

Labcorp Genetics (formerly Invitae), Labcorp
Classification: Uncertain significance for Hereditary nonpolyposis colorectal neoplasms. Last evaluated: 2023-09-22. Review status: criteria provided, single submitter. Criteria: Invitae Variant Classification Sherloc (09022015). Collection method: clinical testing. Allele origin: germline.
Comment: This sequence change falls in intron 11 of the PMS2 gene. It does not directly change the encoded amino acid sequence of the PMS2 protein. The frequency data for this variant in the population databases (gnomAD) is considered unreliable due to the presence of homologous sequence, such as pseudogenes or paralogs, in the genome. This variant has not been reported in the literature in individuals affected with PMS2-related conditions. Experimental studies and prediction algorithms are not available or were not evaluated, and the effect of this variant on mRNA splicing is currently unknown. In summary, the available evidence is currently insufficient to determine the role of this variant in disease. Therefore, it has been classified as a Variant of Uncertain Significance.